The following is an entry in ClinVar:

NM_000038.6(APC):c.6610C>G (p.Arg2204Gly)

Gene: APC (APC regulator of Wnt signaling pathway; plus strand). Cytogenetic location: 5q22.2.
Variant type: single nucleotide variant.
Coding change: c.6610C>G on transcript NM_000038.6 (MANE Select); coding-DNA position 6610, C replaced by G.
Protein change: p.Arg2204Gly; replaces arginine 2204 with glycine.
Molecular consequence: missense variant.
Genome position (GRCh38, 1-based): chr5:112,842,204, C>G. VCF-style: chr5-112842204-C-G. GRCh37 (hg19) VCF-style: chr5-112177901-C-G.
Other names: c.6610C>G, p.Arg2204Gly (NM_001127510.3, NM_001354895.2); c.6556C>G, p.Arg2186Gly (NM_001127511.3); c.6664C>G, p.Arg2222Gly (NM_001354896.2); c.6640C>G, p.Arg2214Gly (NM_001354897.2); c.6535C>G, p.Arg2179Gly (NM_001354898.2); c.6526C>G, p.Arg2176Gly (NM_001354899.2); c.6487C>G, p.Arg2163Gly (NM_001354900.2); c.6433C>G, p.Arg2145Gly (NM_001354901.2); and 5 more; short protein forms R1921G, R2044G, R2145G, R2163G, R2222G, R2103G, R2186G, R2214G.
Identifiers: ClinVar variation 1046441 (VCV001046441.18), dbSNP rs752654519, ClinGen allele CA045518.

ClinVar aggregate classification (germline): Conflicting classifications of pathogenicity. Review status: criteria provided, conflicting classifications (1 of 4 stars). 6 submissions from 6 submitters: Uncertain significance (5); Likely benign (1). Last evaluated 2025-12-22.

Conditions:
Classic or attenuated familial adenomatous polyposis. Identifiers: MedGen CN372698, MONDO:0021057.
Hereditary cancer-predisposing syndrome. Also called: Hereditary Cancer Syndrome; Tumor predisposition; Hereditary neoplastic syndrome; Neoplastic Syndromes, Hereditary. Identifiers: Orphanet 140162, MedGen C0027672, MeSH D009386, MONDO:0015356.
Familial adenomatous polyposis 1 (FAP1). Also called: POLYPOSIS, ADENOMATOUS INTESTINAL; FAMILIAL ADENOMATOUS POLYPOSIS 1, ATTENUATED. Identifiers: MedGen C2713442, MONDO:0021056, OMIM 175100. Disease mechanism: loss of function.

Allele frequency attached by ClinVar (database versions not stated): ExAC 0.00001; gnomAD 0.00001; gnomAD exomes 0.00001.
gnomAD v4.1: 9 of 1,613,104 alleles (0.00056%); highest among the groups gnomAD compares: Non-Finnish European, 0.00042%; no homozygotes.

Submissions (6):

Labcorp Genetics (formerly Invitae), Labcorp
Classification: Uncertain significance for Familial adenomatous polyposis 1. Last evaluated: 2025-12-22. Review status: criteria provided, single submitter. Criteria: Invitae Variant Classification Sherloc (09022015). Collection method: clinical testing. Allele origin: germline.
Comment: This sequence change replaces arginine, which is basic and polar, with glycine, which is neutral and non-polar, at codon 2204 of the APC protein (p.Arg2204Gly). This variant is present in population databases (rs752654519, gnomAD 0.007%). This variant has not been reported in the literature in individuals affected with APC-related conditions. ClinVar contains an entry for this variant (Variation ID: 1046441). Invitae Evidence Modeling of protein sequence and biophysical properties (such as structural, functional, and spatial information, amino acid conservation, physicochemical variation, residue mobility, and thermodynamic stability) indicates that this missense variant is not expected to disrupt APC protein function with a negative predictive value of 95%. In summary, the available evidence is currently insufficient to determine the role of this variant in disease. Therefore, it has been classified as a Variant of Uncertain Significance.

Color Diagnostics, LLC DBA Color Health
Classification: Uncertain significance for Hereditary cancer-predisposing syndrome. Last evaluated: 2025-11-04. Review status: criteria provided, single submitter. Criteria: ACMG Guidelines, 2015. Collection method: clinical testing. Allele origin: germline.
Comment: This missense variant replaces arginine with glycine at codon 2204 of the APC protein. Computational prediction is inconclusive regarding the impact of this variant on protein structure and function. APC is defined as a gene for which primarily truncating variants are known to cause disease (ClinGen HCCP VCEP). To our knowledge, functional studies have not been reported for this variant. This variant has not been reported in individuals affected with APC-related disorders in the literature. This variant has been identified in 9/1613104 chromosomes in the general population by the Genome Aggregation Database (gnomAD). The available evidence is insufficient to determine the role of this variant in disease conclusively. Therefore, this variant is classified as a Variant of Uncertain Significance.

Center for Genomic Medicine, Rigshospitalet, Copenhagen University Hospital
Classification: Likely benign. Last evaluated: 2025-03-04. Review status: criteria provided, single submitter. Criteria: ACMG Guidelines, 2015. Collection method: clinical testing. Allele origin: germline.

All of Us Research Program, National Institutes of Health
Classification: Uncertain significance for Classic or attenuated familial adenomatous polyposis. Last evaluated: 2024-03-05. Review status: criteria provided, single submitter. Criteria: ACMG Guidelines, 2015. Collection method: clinical testing. Allele origin: germline. Inheritance: Autosomal dominant inheritance. Observed: 2 variant alleles, 2 heterozygotes.
Comment: This study involves interpretation of variants in research participants for the purpose of population health screening. Participant phenotype was not available at the time of variant classification. Additional details can be found in publication PMID: 35346344, PMCID: PMC8962531

Baylor Genetics
Classification: Uncertain significance for Familial adenomatous polyposis 1. Last evaluated: 2023-09-20. Review status: criteria provided, single submitter. Criteria: ACMG Guidelines, 2015. Collection method: clinical testing. Allele origin: unknown.

Ambry Genetics
Classification: Uncertain significance for Hereditary cancer-predisposing syndrome. Last evaluated: 2022-04-07. Review status: criteria provided, single submitter. Criteria: Ambry Variant Classification Scheme 2023. Collection method: clinical testing. Allele origin: germline.
Comment: The p.R2204G variant (also known as c.6610C>G), located in coding exon 15 of the APC gene, results from a C to G substitution at nucleotide position 6610. The arginine at codon 2204 is replaced by glycine, an amino acid with dissimilar properties. In a study of whole-exome sequencing in patients with features of Cowden syndrome (CS) or Bannayan-Riley-Ruvalcaba syndrome (BRRS) and negative PTEN testing, this alteration was identified in 0/87 patients with CS or BRRS and 1/3476 patients from The Cancer Genome Atlas (TCGA) (Yehia L et al. PLoS Genet, 2018 04;14:e1007352). This amino acid position is highly conserved in available vertebrate species. In addition, in silico predictors for this gene do not accurately predict pathogenicity. Since supporting evidence is limited at this time, the clinical significance of this alteration remains unclear.

Literature cited by the submitters: PubMed 29684080 (cited by Ambry Genetics).